The following is an entry in ClinVar:

ClinVar aggregate classification (germline): Uncertain significance (1 of 4 stars; one submission).

Submission:

Labcorp Genetics (formerly Invitae), Labcorp
Classification: Uncertain significance. Last evaluated: 2025-10-04. Review status: criteria provided, single submitter. Criteria: Invitae Variant Classification Sherloc (09022015). Collection method: clinical testing. Allele origin: germline.
Comment: This sequence change replaces arginine, which is basic and polar, with cysteine, which is neutral and slightly polar, at codon 1973 of the SNRNP200 protein (p.Arg1973Cys). This variant is not present in population databases (gnomAD no frequency). This variant has not been reported in the literature in individuals affected with SNRNP200-related conditions. Invitae Evidence Modeling of protein sequence and biophysical properties (such as structural, functional, and spatial information, amino acid conservation, physicochemical variation, residue mobility, and thermodynamic stability) has been performed for this missense variant. However, the output from this modeling did not meet the statistical confidence thresholds required to predict the impact of this variant on SNRNP200 protein function. In summary, the available evidence is currently insufficient to determine the role of this variant in disease. Therefore, it has been classified as a Variant of Uncertain Significance.

NM_014014.5(SNRNP200):c.5917C>T (p.Arg1973Cys)

Gene: SNRNP200 (small nuclear ribonucleoprotein U5 subunit 200; minus strand). Cytogenetic location: 2q11.2.
Variant type: single nucleotide variant.
Coding change: c.5917C>T on transcript NM_014014.5 (MANE Select); coding-DNA position 5917, C replaced by T.
Protein change: p.Arg1973Cys; replaces arginine 1973 with cysteine.
Molecular consequence: missense variant.
Genome position (GRCh38, 1-based): chr2:96,277,553, G>A on the plus strand (C>T on the coding strand, the complement: SNRNP200 is on the minus strand). VCF-style: chr2-96277553-G-A. GRCh37 (hg19) VCF-style: chr2-96943291-G-A.
Other names: short protein forms R1973C.
Identifiers: ClinVar variation 4765579 (VCV004765579.1).